The following is an entry in ClinVar:

ClinVar aggregate classification (germline): Conflicting classifications of pathogenicity. Review status: criteria provided, conflicting classifications (1 of 4 stars). 9 submissions from 9 submitters: Uncertain significance (3); Likely benign (4). 2 of the submissions do not count toward it. Last evaluated 2025-09-28.

Conditions:
Hereditary cancer-predisposing syndrome. Also called: Hereditary Cancer Syndrome; Tumor predisposition; Neoplastic Syndromes, Hereditary; Hereditary neoplastic syndrome. Identifiers: Orphanet 140162, MedGen C0027672, MeSH D009386, MONDO:0015356.
Hereditary breast ovarian cancer syndrome. Also called: Breast and ovarian cancer; BRCA1- and BRCA2-Associated Hereditary Breast and Ovarian Cancer; Hereditary breast and ovarian cancer; Hereditary breast and ovarian cancer syndrome (HBOC); Hereditary breast and ovarian cancer syndrome; Hereditary breast and/or ovarian cancer syndrome. Identifiers: Orphanet 145, MedGen C0677776, MeSH D061325, MONDO:0003582. Disease mechanism: loss of function.
Breast-ovarian cancer, familial, susceptibility to, 1 (BROVCA1). Also called: BRCA1 Hereditary Breast and Ovarian Cancer; OVARIAN CANCER, SUSCEPTIBILITY TO. Identifiers: Orphanet 145, MedGen C2676676, MONDO:0011450, OMIM 604370. Disease mechanism: loss of function.

Allele frequency attached by ClinVar (database versions not stated): ExAC 0.00001.
gnomAD v4.1: 3 of 1,613,996 alleles (0.00019%); highest among the groups gnomAD compares: Non-Finnish European, 0.00025%; no homozygotes.

Submissions (9):

Labcorp Genetics (formerly Invitae), Labcorp
Classification: Likely benign for Hereditary breast ovarian cancer syndrome. Last evaluated: 2025-09-28. Review status: criteria provided, single submitter. Criteria: Invitae Variant Classification Sherloc (09022015). Collection method: clinical testing. Allele origin: germline.

GeneDx
Classification: Uncertain significance. Last evaluated: 2025-07-14. Review status: criteria provided, single submitter. Criteria: GeneDx Variant Classification Process June 2021. Collection method: clinical testing. Allele origin: germline. Affected: yes.
Comment: Not observed at significant frequency in large population cohorts (gnomAD); In silico analysis supports that this missense variant has a deleterious effect on protein structure/function; Also known as 2341C>T; This variant is associated with the following publications: (PMID: 25782689, 15001988, 12531920, 16518693, 27616075, 30212499, 15829246, 16905680, 35370679, 16267036, 33471991, 38817903, 15343273)

Quest Diagnostics Nichols Institute San Juan Capistrano
Classification: Uncertain significance. Last evaluated: 2023-06-01. Review status: criteria provided, single submitter. Criteria: Quest Diagnostics criteria. Collection method: clinical testing. Allele origin: unknown.
Comment: In the published literature, this variant has been reported in individuals with breast/ovarian cancer (PMIDs: 27616075 (2016), 16905680 (2007), 16267036 (2005)). In one of the individuals with breast cancer, this variant co-occurred with a pathogenic variant in the BRCA1 gene, suggesting it was not the primary cause of disease (PMID: 16267036 (2005)). The frequency of this variant in the general population, 0.000008 (2/251070 chromosomes (Genome Aggregation Database)), is uninformative in the assessment of its pathogenicity. Analysis of this variant using bioinformatics tools for the prediction of the effect of amino acid changes on protein structure and function yielded conflicting predictions that this variant is benign or damaging. Based on the available information, we are unable to determine the clinical significance of this variant.

University of Washington Department of Laboratory Medicine, University of Washington
Classification: Likely benign for Hereditary cancer-predisposing syndrome. Last evaluated: 2023-03-23. Review status: criteria provided, single submitter. Criteria: Dines et al. (Genet Med. 2020). Collection method: curation. Allele origin: germline.
Comment: Missense variant in a coldspot region where missense variants are very unlikely to be pathogenic (PMID:31911673).

BRCA1 coldspot (exon 11 using historical exon numbering). Reclassification based on statistical prior probability

CeGaT Center for Human Genetics Tuebingen
Classification: Uncertain significance. Last evaluated: 2023-02-01. Review status: criteria provided, single submitter. Criteria: CeGaT Center For Human Genetics Tuebingen Variant Classification Criteria Version 2. Collection method: clinical testing. Allele origin: germline. Affected: yes. Observed: 1 variant allele.

Ambry Genetics
Classification: Likely benign for Hereditary cancer-predisposing syndrome. Last evaluated: 2019-05-21. Review status: criteria provided, single submitter. Criteria: Ambry Variant Classification Scheme 2023. Collection method: clinical testing. Allele origin: germline.

Color Diagnostics, LLC DBA Color Health
Classification: Likely benign for Hereditary cancer-predisposing syndrome. Last evaluated: 2018-07-31. Review status: criteria provided, single submitter. Criteria: ACMG Guidelines, 2015. Collection method: clinical testing. Allele origin: germline.

Counsyl
Classification: Uncertain significance for Breast-ovarian cancer, familial, susceptibility to, 1. Last evaluated: 2018-01-16. Review status: no assertion criteria provided. Collection method: clinical testing. Allele origin: unknown. Not counted in ClinVar's aggregate classification.

Breast Cancer Information Core (BIC) (BRCA1)
Classification: Uncertain significance for Breast-ovarian cancer, familial 1. Last evaluated: 2004-02-20. Review status: no assertion criteria provided. Collection method: clinical testing. Allele origin: germline. Affected: yes. Observed: 2 variant alleles. Not counted in ClinVar's aggregate classification.

Literature cited by the submitters: PubMed 16905680 (cited by 3 submitters); PubMed 15829246 (cited by Quest Diagnostics Nichols Institute San Juan Capistrano); PubMed 16267036 (cited by 3 submitters); PubMed 16518693 (cited by Quest Diagnostics Nichols Institute San Juan Capistrano and Counsyl); PubMed 15001988 (cited by Quest Diagnostics Nichols Institute San Juan Capistrano and Counsyl); PubMed 12531920 (cited by Quest Diagnostics Nichols Institute San Juan Capistrano and Counsyl); PubMed 27616075 (cited by Quest Diagnostics Nichols Institute San Juan Capistrano and Ambry Genetics); PubMed 25782689 (cited by Quest Diagnostics Nichols Institute San Juan Capistrano).

NM_007294.4(BRCA1):c.2222C>T (p.Ser741Phe)

Gene: BRCA1 (BRCA1 DNA repair associated; minus strand). Cytogenetic location: 17q21.31.
Variant type: single nucleotide variant.
Coding change: c.2222C>T on transcript NM_007294.4 (MANE Select); coding-DNA position 2222, C replaced by T.
Protein change: p.Ser741Phe; replaces serine 741 with phenylalanine.
Molecular consequence: missense variant. On other transcripts: intron variant (137).
Genome position (GRCh38, 1-based): chr17:43,093,309, G>A on the plus strand (C>T on the coding strand, the complement: BRCA1 is on the minus strand). VCF-style: chr17-43093309-G-A. GRCh37 (hg19) VCF-style: chr17-41245326-G-A.
Other names: c.788-1170C>T (NM_001407968.1, NM_001407969.1); c.577+1435C>T (NM_001408492.1, NM_001408513.1, NM_001408489.1 and 9 more transcripts); c.643+1435C>T (NM_001408468.1, NM_001408465.1, NM_001408463.1 and 3 more transcripts); c.523+1435C>T (NM_001408501.1, NM_001408500.1, NM_001408497.1 and 3 more transcripts); c.646+1435C>T (NM_001408455.1, NM_001408466.1, NM_001408452.1 and 11 more transcripts); c.520+1435C>T (NM_001408503.1, NM_001408505.1, NM_001408504.1); c.787+1435C>T (NM_001407973.1, NM_001408403.1, NM_001407983.1 and 17 more transcripts); c.404-2277C>T (NM_001408511.1); and 41 more; short protein forms S741F, S694F, S445F, S613F, S630F, S653F, S673F, S715F.
Identifiers: ClinVar variation 54507 (VCV000054507.52), dbSNP rs80357051, ClinGen allele CA001491.
Genomic context (GRCh38, chr17:43,093,309, plus strand): 5'-TCAGTTTGCAAAACCCTTTCTCCACTTAACATGAGATCTTTGGGGTCTTCAGCATTATTA[G>A]ACACTTTAACTGTTTCTAGTTTCTCTTCTTTTTCTTCTCTTGGAAGGCTAGGATTGACAA-3'
Protein context (NP_009225.1, residues 731-751): KEEKLETVKV[Ser741Phe]NNAEDPKDLM